The following is an entry in ClinVar:

NM_014425.5(INVS):c.497del (p.Lys166fs)

Gene: INVS (inversin; plus strand). Cytogenetic location: 9q31.1.
Variant type: Deletion.
Coding change: c.497del on transcript NM_014425.5 (MANE Select); coding-DNA position 497, one base deleted (A; older notation c.497delA).
Protein change: p.Lys166fs; shifts the reading frame from lysine 166.
Molecular consequence: frameshift variant. On other transcripts: 5 prime UTR variant (1), non-coding transcript variant (1).
Genome position (GRCh38, 1-based): chr9:100,229,709, A deleted; the last of 2 consecutive A bases (chr9:100,229,708-100,229,709); deleting either gives the same sequence. VCF-style (leftmost placement, unchanged base first): chr9-100229707-GA-G. GRCh37 (hg19) VCF-style: chr9-102991989-GA-G.
Other names: c.209del, p.Lys70fs (NM_001318381.2); c.-493del (NM_001318382.2); short protein forms K70fs, K166fs.
Identifiers: ClinVar variation 2751353 (VCV002751353.3), dbSNP rs2491202052, ClinGen allele CA2697557914.

ClinVar aggregate classification (germline): Pathogenic (1 of 4 stars; one submission).

Conditions:
Nephronophthisis. Also called: Juvenile Nephronophthisis. Identifiers: Orphanet 655, MedGen C0687120, MONDO:0019005, HP:0000090.

Submission:

Labcorp Genetics (formerly Invitae), Labcorp
Classification: Pathogenic for Nephronophthisis. Last evaluated: 2023-08-09. Review status: criteria provided, single submitter. Criteria: Invitae Variant Classification Sherloc (09022015). Collection method: clinical testing. Allele origin: germline.
Comment: For these reasons, this variant has been classified as Pathogenic. Algorithms developed to predict the effect of sequence changes on RNA splicing suggest that this variant may disrupt the consensus splice site. This variant has not been reported in the literature in individuals affected with INVS-related conditions. This variant is not present in population databases (gnomAD no frequency). This sequence change creates a premature translational stop signal (p.Lys166Serfs*36) in the INVS gene. It is expected to result in an absent or disrupted protein product. Loss-of-function variants in INVS are known to be pathogenic (PMID: 12872123).

Literature cited by the submitters: PubMed 12872123.